The following is an entry in ClinVar:

NM_006767.4(LZTR1):c.1556_1560dup (p.Phe521fs)

Gene: LZTR1 (leucine zipper like post translational regulator 1; plus strand). Cytogenetic location: 22q11.21.
Variant type: Microsatellite.
Coding change: c.1556_1560dup on transcript NM_006767.4 (MANE Select); coding-DNA positions 1556 to 1560, 5 bases duplicated (GGCCC; older notation c.1556_1560dupGGCCC).
Protein change: p.Phe521fs; shifts the reading frame from phenylalanine 521.
Molecular consequence: frameshift variant.
Genome position (GRCh38, 1-based): chr22:20,994,210-20,994,214, GGCCC duplicated; duplicating any 5 consecutive bases within chr22:20,994,205-20,994,214 gives the same sequence; the c. name uses the placement nearest the transcript's 3' end. VCF-style (leftmost placement, unchanged base first): chr22-20994204-A-AGGCCC. GRCh37 (hg19) VCF-style: chr22-21348493-A-AGGCCC.
Other names: short protein forms F521fs.
Identifiers: ClinVar variation 930572 (VCV000930572.3), dbSNP rs1924721014, ClinGen allele CA2396642016.

ClinVar aggregate classification (germline): Likely pathogenic (1 of 4 stars; one submission).

Conditions:
LZTR1-related schwannomatosis. Also called: Schwannomatosis 2; Schwannomatosis-2, susceptibility to. Identifiers: Orphanet 93921, MedGen C3810283, MONDO:0014299, OMIM 615670.

Submission:

Centre for Mendelian Genomics, University Medical Centre Ljubljana
Classification: Likely pathogenic for LZTR1-related schwannomatosis. Last evaluated: 2019-11-22. Review status: criteria provided, single submitter. Criteria: ACMG Guidelines, 2015. Collection method: clinical testing. Allele origin: unknown. Affected: yes.
Comment: This variant was classified as: Likely pathogenic. The following ACMG criteria were applied in classifying this variant: PVS1,PM2.